The following is an entry in ClinVar:

NM_000448.3(RAG1):c.970A>G (p.Met324Val)

Gene: RAG1 (recombination activating 1; plus strand). Cytogenetic location: 11p12.
Variant type: single nucleotide variant.
Coding change: c.970A>G on transcript NM_000448.3 (MANE Select); coding-DNA position 970, A replaced by G.
Protein change: p.Met324Val; replaces methionine 324 with valine.
Molecular consequence: missense variant.
Genome position (GRCh38, 1-based): chr11:36,574,274, A>G. VCF-style: chr11-36574274-A-G. GRCh37 (hg19) VCF-style: chr11-36595824-A-G.
Other names: c.970A>G, p.Met324Val (NM_001377277.1, NM_001377278.1, NM_001377279.1 and 1 more transcripts); short protein forms M324V.
Identifiers: ClinVar variation 2137053 (VCV002137053.1), dbSNP rs879137477, ClinGen allele CA380150876.

ClinVar aggregate classification (germline): Uncertain significance (1 of 4 stars; one submission).

Conditions:
Severe combined immunodeficiency, autosomal recessive, T cell-negative, B cell-negative, NK cell-positive. Also called: SCID, T CELL-NEGATIVE, B CELL-NEGATIVE, NK CELL-POSITIVE; SCID, AR, T-cell negative, B-cell negative, NK cell-positive; Severe combined immunodeficiency due to complete RAG1/2 deficiency. Identifiers: Orphanet 331206, MedGen C1832322, MONDO:0011086, OMIM 601457.
Combined immunodeficiency with skin granulomas. Identifiers: Orphanet 157949, MedGen C2673536, MONDO:0009306, OMIM 233650.

Submission:

Labcorp Genetics (formerly Invitae), Labcorp
Classification: Uncertain significance for Combined immunodeficiency with skin granulomas; Severe combined immunodeficiency, autosomal recessive, T cell-negative, B cell-negative, NK cell-positive. Last evaluated: 2022-07-03. Review status: criteria provided, single submitter. Criteria: Invitae Variant Classification Sherloc (09022015). Collection method: clinical testing. Allele origin: germline.
Comment: This sequence change replaces methionine, which is neutral and non-polar, with valine, which is neutral and non-polar, at codon 324 of the RAG1 protein (p.Met324Val). This variant is not present in population databases (gnomAD no frequency). This missense change has been observed in individual(s) with severe combined immunodeficiency (PMID: 21625022). Advanced modeling of protein sequence and biophysical properties (such as structural, functional, and spatial information, amino acid conservation, physicochemical variation, residue mobility, and thermodynamic stability) performed at Invitae indicates that this missense variant is not expected to disrupt RAG1 protein function. In summary, the available evidence is currently insufficient to determine the role of this variant in disease. Therefore, it has been classified as a Variant of Uncertain Significance.

Literature cited by the submitters: PubMed 21625022.